The following is an entry in ClinVar:

ClinVar aggregate classification (germline): Uncertain significance (1 of 4 stars; one submission).

gnomAD v4.1: 13 of 1,585,042 alleles (0.00082%); highest among the groups gnomAD compares: Non-Finnish European, 0.0011%; no homozygotes.

Submission:

Labcorp Genetics (formerly Invitae), Labcorp
Classification: Uncertain significance. Last evaluated: 2025-11-19. Review status: criteria provided, single submitter. Criteria: Invitae Variant Classification Sherloc (09022015). Collection method: clinical testing. Allele origin: germline.
Comment: This sequence change replaces arginine, which is basic and polar, with histidine, which is basic and polar, at codon 967 of the TONSL protein (p.Arg967His). The frequency data for this variant in the population databases is considered unreliable, as metrics indicate poor data quality at this position in the gnomAD database. This variant has not been reported in the literature in individuals affected with TONSL-related conditions. Invitae Evidence Modeling of protein sequence and biophysical properties (such as structural, functional, and spatial information, amino acid conservation, physicochemical variation, residue mobility, and thermodynamic stability) indicates that this missense variant is expected to disrupt TONSL protein function with a positive predictive value of 80%. In summary, the available evidence is currently insufficient to determine the role of this variant in disease. Therefore, it has been classified as a Variant of Uncertain Significance.

NM_013432.5(TONSL):c.2900G>A (p.Arg967His)

Gene: TONSL (tonsoku like, DNA repair protein; minus strand). Cytogenetic location: 8q24.3.
Variant type: single nucleotide variant.
Coding change: c.2900G>A on transcript NM_013432.5 (MANE Select); coding-DNA position 2900, G replaced by A.
Protein change: p.Arg967His; replaces arginine 967 with histidine.
Molecular consequence: missense variant.
Genome position (GRCh38, 1-based): chr8:144,435,123, C>T on the plus strand (G>A on the coding strand, the complement: TONSL is on the minus strand). VCF-style: chr8-144435123-C-T. GRCh37 (hg19) VCF-style: chr8-145660506-C-T.
Other names: short protein forms R967H.
Identifiers: ClinVar variation 4800030 (VCV004800030.1).